The following is an entry in ClinVar:

ClinVar aggregate classification (germline): Likely benign (1 of 4 stars; one submission).

gnomAD v4.1: 3,139 of 1,614,196 alleles (0.19%); highest among the groups gnomAD compares: Admixed American, 0.26%; 9 homozygotes.

Submission:

CeGaT Center for Human Genetics Tuebingen
Classification: Likely benign. Last evaluated: 2026-06-01. Review status: criteria provided, single submitter. Criteria: CeGaT Center For Human Genetics Tuebingen Variant Classification Criteria Version 2. Collection method: clinical testing. Allele origin: germline. Affected: yes. Observed: 3 variant alleles.
Comment: PDZD8: BP4, BP7

NM_173791.5(PDZD8):c.1929C>T (p.Asp643=)

Gene: PDZD8 (PDZ domain containing 8; minus strand). Cytogenetic location: 10q25.3.
Variant type: single nucleotide variant.
Coding change: c.1929C>T on transcript NM_173791.5 (MANE Select); coding-DNA position 1929, C replaced by T.
Protein change: p.Asp643=; no amino-acid change (aspartic acid 643 retained).
Molecular consequence: synonymous variant.
Genome position (GRCh38, 1-based): chr10:117,284,804, G>A on the plus strand (C>T on the coding strand, the complement: PDZD8 is on the minus strand). VCF-style: chr10-117284804-G-A. GRCh37 (hg19) VCF-style: chr10-119044315-G-A.
Identifiers: ClinVar variation 3770961 (VCV003770961.13).